The following is an entry in ClinVar:

ClinVar aggregate classification (germline): Uncertain significance (1 of 4 stars; one submission).

gnomAD v4.1: 1 of 1,614,146 alleles (0.000062%); highest among the groups gnomAD compares: Non-Finnish European, 0.000085%; no homozygotes.

Submission:

Ambry Genetics
Classification: Uncertain significance. Last evaluated: 2024-06-08. Review status: criteria provided, single submitter. Criteria: Ambry Variant Classification Scheme 2023. Collection method: clinical testing. Allele origin: germline.
Comment: The p.T385N variant (also known as c.1154C>A), located in coding exon 10 of the RAD54L gene, results from a C to A substitution at nucleotide position 1154. The threonine at codon 385 is replaced by asparagine, an amino acid with similar properties. This amino acid position is conserved. In addition, this alteration is predicted to be tolerated by in silico analysis. Based on the available evidence, the clinical significance of this variant remains unclear.

NM_003579.4(RAD54L):c.1154C>A (p.Thr385Asn)

Gene: RAD54L (RAD54 like; plus strand). Cytogenetic location: 1p34.1.
Variant type: single nucleotide variant.
Coding change: c.1154C>A on transcript NM_003579.4 (MANE Select); coding-DNA position 1154, C replaced by A.
Protein change: p.Thr385Asn; replaces threonine 385 with asparagine.
Molecular consequence: missense variant.
Genome position (GRCh38, 1-based): chr1:46,270,770, C>A. VCF-style: chr1-46270770-C-A. GRCh37 (hg19) VCF-style: chr1-46736442-C-A.
Other names: c.1154C>A, p.Thr385Asn (NM_001142548.2); c.614C>A, p.Thr205Asn (NM_001370766.1); short protein forms T205N, T385N.
Identifiers: ClinVar variation 3312493 (VCV003312493.1).